The following is an entry in ClinVar:

NM_006618.5(KDM5B):c.205-2A>G

Gene: KDM5B (lysine demethylase 5B; minus strand). Cytogenetic location: 1q32.1.
Variant type: single nucleotide variant.
Coding change: c.205-2A>G on transcript NM_006618.5 (MANE Select); the canonical splice acceptor site of the intron before coding-DNA position 205, A replaced by G.
Molecular consequence: splice acceptor variant.
Genome position (GRCh38, 1-based): chr1:202,777,096, T>C on the plus strand (A>G on the coding strand, the complement: KDM5B is on the minus strand). VCF-style: chr1-202777096-T-C. GRCh37 (hg19) VCF-style: chr1-202746224-T-C.
Other names: c.190-2A>G (NM_001399817.1); c.205-2A>G (NM_001347591.2, NM_001314042.2).
Identifiers: ClinVar variation 2502651 (VCV002502651.1), dbSNP rs2527651949, ClinGen allele CA344264776.

ClinVar aggregate classification (germline): Likely pathogenic (1 of 4 stars; one submission).

Submission:

GeneDx
Classification: Likely pathogenic. Last evaluated: 2023-05-15. Review status: criteria provided, single submitter. Criteria: GeneDx Variant Classification Process June 2021. Collection method: clinical testing. Allele origin: germline. Affected: yes.
Comment: Canonical splice site variant predicted to result in an in-frame loss of the adjacent exon in a gene for which loss of function is a known mechanism of disease; Not observed at significant frequency in large population cohorts (gnomAD); Has not been previously published as pathogenic or benign to our knowledge